The following is an entry in ClinVar:

ClinVar aggregate classification (germline): Uncertain significance (1 of 4 stars; one submission).

Conditions:
Tietz syndrome (TADS). Also called: HYPOPIGMENTATION/DEAFNESS OF TIETZ; TIETZ ALBINISM-DEAFNESS SYNDROME; ALBINISM-DEAFNESS OF TIETZ. Identifiers: Orphanet 42665, MedGen C0391816, MONDO:0007077, OMIM 103500.
Waardenburg syndrome type 2A (WS2A). Also called: WAARDENBURG SYNDROME WITHOUT DYSTOPIA CANTHORUM. Identifiers: Orphanet 3440, MedGen C1860339, MONDO:0008671, OMIM 193510.
Melanoma, cutaneous malignant, susceptibility to, 8. Also called: MELANOMA AND RENAL CELL CARCINOMA, SUSCEPTIBILITY TO; Cutaneous malignant melanoma 8. Identifiers: Orphanet 293822, MedGen C3152204, MONDO:0013759, OMIM 614456.

Submission:

Labcorp Genetics (formerly Invitae), Labcorp
Classification: Uncertain significance for Melanoma, cutaneous malignant, susceptibility to, 8; Waardenburg syndrome type 2A; Tietz syndrome. Last evaluated: 2024-06-14. Review status: criteria provided, single submitter. Criteria: Invitae Variant Classification Sherloc (09022015). Collection method: clinical testing. Allele origin: germline.
Comment: This sequence change replaces glutamine, which is neutral and polar, with leucine, which is neutral and non-polar, at codon 262 of the MITF protein (p.Gln262Leu). This variant is not present in population databases (gnomAD no frequency). This variant has not been reported in the literature in individuals affected with MITF-related conditions. Advanced modeling of protein sequence and biophysical properties (such as structural, functional, and spatial information, amino acid conservation, physicochemical variation, residue mobility, and thermodynamic stability) performed at Invitae indicates that this missense variant is expected to disrupt MITF protein function with a positive predictive value of 80%. In summary, the available evidence is currently insufficient to determine the role of this variant in disease. Therefore, it has been classified as a Variant of Uncertain Significance.

NM_001354604.2(MITF):c.1106A>T (p.Gln369Leu)

Gene: MITF (melanocyte inducing transcription factor; plus strand). Cytogenetic location: 3p13.
Variant type: single nucleotide variant.
Coding change: c.1106A>T on transcript NM_001354604.2 (MANE Select); coding-DNA position 1106, A replaced by T.
Protein change: p.Gln369Leu; replaces glutamine 369 with leucine.
Molecular consequence: missense variant.
Genome position (GRCh38, 1-based): chr3:69,959,347, A>T. VCF-style: chr3-69959347-A-T. GRCh37 (hg19) VCF-style: chr3-70008498-A-T.
Other names: c.785A>T, p.Gln262Leu (NM_000248.4); c.932A>T, p.Gln311Leu (NM_001184967.2, NM_001354608.2); c.1103A>T, p.Gln368Leu (NM_001354605.2); c.1085A>T, p.Gln362Leu (NM_001354606.2, NM_006722.3); c.1037A>T, p.Gln346Leu (NM_001354607.2); c.767A>T, p.Gln256Leu (NM_198158.3); c.1088A>T, p.Gln363Leu (NM_198159.3); c.1040A>T, p.Gln347Leu (NM_198177.3); and 1 more; short protein forms Q200L, Q256L, Q262L, Q311L, Q346L, Q347L, Q362L, Q363L.
Identifiers: ClinVar variation 3756826 (VCV003756826.2).